The following is an entry in ClinVar:

ClinVar aggregate classification (germline): Uncertain significance (1 of 4 stars; one submission).

Conditions:
Mendelian susceptibility to mycobacterial diseases due to partial STAT1 deficiency. Also called: IMMUNODEFICIENCY 31A, MYCOBACTERIOSIS, AUTOSOMAL DOMINANT; STAT1 DEFICIENCY, AUTOSOMAL DOMINANT; Immunodeficiency 31a. Identifiers: Orphanet 319595, MedGen C4013950, MONDO:0013956, OMIM 614892.
Immunodeficiency 31B. Also called: STAT1 DEFICIENCY, AUTOSOMAL RECESSIVE; IMMUNODEFICIENCY 31B, MYCOBACTERIAL AND VIRAL INFECTIONS, AUTOSOMAL RECESSIVE. Identifiers: Orphanet 391311, MedGen C3151088, MONDO:0013427, OMIM 613796.
Autoimmune enteropathy and endocrinopathy - susceptibility to chronic infections syndrome. Also called: Immunodeficiency 31C; Immunodeficiency 31C, autosomal dominant. Identifiers: Orphanet 391487, MedGen C3279990, MONDO:0013599, OMIM 614162.

Submission:

Labcorp Genetics (formerly Invitae), Labcorp
Classification: Uncertain significance for Mendelian susceptibility to mycobacterial diseases due to partial STAT1 deficiency; Immunodeficiency 31B; Autoimmune enteropathy and endocrinopathy - susceptibility to chronic infections syndrome. Last evaluated: 2022-11-19. Review status: criteria provided, single submitter. Criteria: Invitae Variant Classification Sherloc (09022015). Collection method: clinical testing. Allele origin: germline.
Comment: In summary, the available evidence is currently insufficient to determine the role of this variant in disease. Therefore, it has been classified as a Variant of Uncertain Significance. Experimental studies have shown that this missense change affects STAT1 function (PMID: 23403048). Algorithms developed to predict the effect of missense changes on protein structure and function output the following: SIFT: "Tolerated"; PolyPhen-2: "Benign"; Align-GVGD: "Class C0". The threonine amino acid residue is found in multiple mammalian species, which suggests that this missense change does not adversely affect protein function. This missense change has been observed in individual(s) with clinical features of STAT1-related conditions (PMID: 23403048). This variant is not present in population databases (gnomAD no frequency). This sequence change replaces isoleucine, which is neutral and non-polar, with threonine, which is neutral and polar, at codon 156 of the STAT1 protein (p.Ile156Thr).

Literature cited by the submitters: PubMed 23403048.

NM_007315.4(STAT1):c.467T>C (p.Ile156Thr)

Gene: STAT1 (signal transducer and activator of transcription 1; minus strand). Cytogenetic location: 2q32.2.
Variant type: single nucleotide variant.
Coding change: c.467T>C on transcript NM_007315.4 (MANE Select); coding-DNA position 467, T replaced by C.
Protein change: p.Ile156Thr; replaces isoleucine 156 with threonine.
Molecular consequence: missense variant. On other transcripts: intron variant (1).
Genome position (GRCh38, 1-based): chr2:190,999,700, A>G on the plus strand (T>C on the coding strand, the complement: STAT1 is on the minus strand). VCF-style: chr2-190999700-A-G. GRCh37 (hg19) VCF-style: chr2-191864426-A-G.
Other names: c.467T>C, p.Ile156Thr (NM_001384880.1, NM_001384882.1, NM_001384885.1 and 5 more transcripts); c.473T>C, p.Ile158Thr (NM_001384881.1, NM_001384884.1); c.377T>C, p.Ile126Thr (NM_001384890.1); c.503T>C, p.Ile168Thr (NM_001384891.1); c.463-3T>C (NM_001384883.1); short protein forms I126T, I156T, I168T, I158T.
Identifiers: ClinVar variation 2925339 (VCV002925339.3), dbSNP rs2470526759, ClinGen allele CA349924508.